The following is an entry in ClinVar:

NM_001024845.3(SLC6A9):c.1374G>A (p.Ala458=)

Gene: SLC6A9 (solute carrier family 6 member 9; minus strand). Cytogenetic location: 1p34.1.
Variant type: single nucleotide variant.
Coding change: c.1374G>A on transcript NM_001024845.3 (MANE Select); coding-DNA position 1374, G replaced by A.
Protein change: p.Ala458=; no amino-acid change (alanine 458 retained).
Molecular consequence: synonymous variant. On other transcripts: non-coding transcript variant (1).
Genome position (GRCh38, 1-based): chr1:44,001,017, C>T on the plus strand (G>A on the coding strand, the complement: SLC6A9 is on the minus strand). VCF-style: chr1-44001017-C-T. GRCh37 (hg19) VCF-style: chr1-44466689-C-T.
Other names: c.1386G>A, p.Ala462= (NM_001261380.2); c.1041G>A, p.Ala347= (NM_001328626.2, NM_001328630.2); c.1311G>A, p.Ala437= (NM_001328627.1); c.1179G>A, p.Ala393= (NM_001328628.1); c.1374G>A, p.Ala458= (NM_001328629.1); c.1431G>A, p.Ala477= (NM_006934.4); c.1593G>A, p.Ala531= (NM_201649.4).
Identifiers: ClinVar variation 740605 (VCV000740605.10), dbSNP rs199966777, ClinGen allele CA817521.

ClinVar aggregate classification (germline): Likely benign. Review status: criteria provided, multiple submitters, no conflicts (2 of 4 stars). 2 submissions from 2 submitters: Likely benign (2). Last evaluated 2026-02-10.

Conditions:
SLC6A9-related disorder. Also called: SLC6A9-related condition.
Atypical glycine encephalopathy. Also called: Glycine encephalopathy with normal serum glycine. Identifiers: Orphanet 289863, MedGen C4310943, MONDO:0015010, OMIM 617301.

Allele frequency attached by ClinVar (database versions not stated): gnomAD 0.00019 and 0.00020; 1000 Genomes Project 0.00020; 1000 Genomes Project 30x 0.00031; TOPMed 0.00038; ExAC 0.00001; gnomAD exomes 0.00002.
gnomAD v4.1: 63 of 1,580,474 alleles (0.004%); highest among the groups gnomAD compares: Admixed American, 0.056%; no homozygotes.

Submissions (2):

PreventionGenetics, part of Exact Sciences
Classification: Likely benign for SLC6A9-related condition. Last evaluated: 2026-02-10. Review status: criteria provided, single submitter. Criteria: ACMG Guidelines, 2015. Collection method: clinical testing. Allele origin: germline.
Comment: This variant is classified as likely benign based on ACMG/AMP sequence variant interpretation guidelines (Richards et al. 2015 PMID: 25741868, with internal and published modifications).

Labcorp Genetics (formerly Invitae), Labcorp
Classification: Likely benign for Atypical glycine encephalopathy. Last evaluated: 2024-10-15. Review status: criteria provided, single submitter. Criteria: Invitae Variant Classification Sherloc (09022015). Collection method: clinical testing. Allele origin: germline.